The following is an entry in ClinVar:

ClinVar aggregate classification (germline): Uncertain significance. Review status: criteria provided, single submitter (1 of 4 stars). 2 submissions from 2 submitters: Uncertain significance (1). 1 of the submissions does not count toward it. Last evaluated 2022-08-01.

Conditions:
IFT27-related disorder. Also called: IFT27-related condition.

Allele frequency attached by ClinVar (database versions not stated): gnomAD 0.00001; TOPMed 0.00002.
gnomAD v4.1: 43 of 1,614,048 alleles (0.0027%); highest among the groups gnomAD compares: Admixed American, 0.0067%; no homozygotes.

Submissions (2):

Labcorp Genetics (formerly Invitae), Labcorp
Classification: Uncertain significance. Last evaluated: 2022-08-01. Review status: criteria provided, single submitter. Criteria: Invitae Variant Classification Sherloc (09022015). Collection method: clinical testing. Allele origin: germline.
Comment: This sequence change replaces alanine, which is neutral and non-polar, with threonine, which is neutral and polar, at codon 19 of the IFT27 protein (p.Ala19Thr). This variant is present in population databases (rs775878094, gnomAD 0.01%). This variant has not been reported in the literature in individuals affected with IFT27-related conditions. Advanced modeling of protein sequence and biophysical properties (such as structural, functional, and spatial information, amino acid conservation, physicochemical variation, residue mobility, and thermodynamic stability) performed at Invitae indicates that this missense variant is expected to disrupt IFT27 protein function. In summary, the available evidence is currently insufficient to determine the role of this variant in disease. Therefore, it has been classified as a Variant of Uncertain Significance.

PreventionGenetics, part of Exact Sciences
Classification: Uncertain significance for IFT27-related condition. Last evaluated: 2024-08-07. Review status: no assertion criteria provided. Collection method: clinical testing. Allele origin: germline. Not counted in ClinVar's aggregate classification.
Comment: The IFT27 c.55G>A variant is predicted to result in the amino acid substitution p.Ala19Thr. To our knowledge, this variant has not been reported in the literature. This variant is reported in 0.011% of alleles in individuals of Latino descent in gnomAD. At this time, the clinical significance of this variant is uncertain due to the absence of conclusive functional and genetic evidence.

NM_001177701.3(IFT27):c.58G>A (p.Ala20Thr)

Gene: IFT27 (intraflagellar transport 27; minus strand). Cytogenetic location: 22q12.3.
Variant type: single nucleotide variant.
Coding change: c.58G>A on transcript NM_001177701.3 (MANE Select); coding-DNA position 58, G replaced by A.
Protein change: p.Ala20Thr; replaces alanine 20 with threonine.
Molecular consequence: missense variant.
Genome position (GRCh38, 1-based): chr22:36,767,839, C>T on the plus strand (G>A on the coding strand, the complement: IFT27 is on the minus strand). VCF-style: chr22-36767839-C-T. GRCh37 (hg19) VCF-style: chr22-37163883-C-T.
Other names: c.58G>A, p.Ala20Thr (NM_001363003.2); c.55G>A, p.Ala19Thr (NM_006860.5); c.55G>A (NM_006860.4); short protein forms A19T, A20T.
Identifiers: ClinVar variation 1913308 (VCV001913308.3), dbSNP rs775878094, ClinGen allele CA10212544.